The following is an entry in ClinVar:

ClinVar aggregate classification (germline): Uncertain significance (1 of 4 stars; one submission).

Conditions:
Spondyloenchondrodysplasia with immune dysregulation (SPENCDI). Also called: ROIFMAN IMMUNOSKELETAL SYNDROME; SPONDYLOENCHONDRODYSPLASIA WITH OR WITHOUT IMMUNE DYSREGULATION; COMBINED IMMUNODEFICIENCY WITH AUTOIMMUNITY AND SPONDYLOMETAPHYSEAL DYSPLASIA. Identifiers: Orphanet 1855, MedGen C1842763, MONDO:0011939, OMIM 607944.

Allele frequency attached by ClinVar (database versions not stated): gnomAD exomes below 0.00001; TOPMed below 0.00001; gnomAD 0.00001.
gnomAD v4.1: 6 of 1,613,982 alleles (0.00037%); highest among the groups gnomAD compares: African/African-American, 0.0013%; no homozygotes.

Submission:

Labcorp Genetics (formerly Invitae), Labcorp
Classification: Uncertain significance for Spondyloenchondrodysplasia with immune dysregulation. Last evaluated: 2025-08-04. Review status: criteria provided, single submitter. Criteria: Invitae Variant Classification Sherloc (09022015). Collection method: clinical testing. Allele origin: germline.
Comment: This sequence change replaces threonine, which is neutral and polar, with alanine, which is neutral and non-polar, at codon 317 of the ACP5 protein (p.Thr317Ala). This variant is not present in population databases (gnomAD no frequency). This variant has not been reported in the literature in individuals affected with ACP5-related conditions. ClinVar contains an entry for this variant (Variation ID: 2058212). Invitae Evidence Modeling of protein sequence and biophysical properties (such as structural, functional, and spatial information, amino acid conservation, physicochemical variation, residue mobility, and thermodynamic stability) indicates that this missense variant is not expected to disrupt ACP5 protein function with a negative predictive value of 95%. In summary, the available evidence is currently insufficient to determine the role of this variant in disease. Therefore, it has been classified as a Variant of Uncertain Significance.

NM_001611.5(ACP5):c.949A>G (p.Thr317Ala)

Gene: ACP5 (acid phosphatase 5, tartrate resistant; minus strand). Cytogenetic location: 19p13.2.
Variant type: single nucleotide variant.
Coding change: c.949A>G on transcript NM_001611.5 (MANE Select); coding-DNA position 949, A replaced by G.
Protein change: p.Thr317Ala; replaces threonine 317 with alanine.
Molecular consequence: missense variant.
Genome position (GRCh38, 1-based): chr19:11,575,039, T>C on the plus strand (A>G on the coding strand, the complement: ACP5 is on the minus strand). VCF-style: chr19-11575039-T-C. GRCh37 (hg19) VCF-style: chr19-11685854-T-C.
Other names: c.949A>G, p.Thr317Ala (NM_001111034.3, NM_001111035.3, NM_001111036.3 and 1 more transcripts); short protein forms T317A.
Identifiers: ClinVar variation 2058212 (VCV002058212.2), dbSNP rs1599630500, ClinGen allele CA404144967.
Genomic context (GRCh38, chr19:11,575,039, plus strand): 5'-TCGGGCCTCAGAGCTGGGCAGTCATGGGAGTTCAGGGCCTGGCTCGCCTCGGCAGCCTGG[T>C]CTTAAAGAGGGACTTGCCCGAGGCCTCGATGTAAGTGACAGTCATCTCTTTGGAGCTGAT-3'
Protein context (NP_001602.1, residues 307-325): IEASGKSLFK[Thr317Ala]RLPRRARP